The following is an entry in ClinVar:

NM_001035.3(RYR2):c.7396G>A (p.Ala2466Thr)

Gene: RYR2 (ryanodine receptor 2; plus strand). Cytogenetic location: 1q43.
Variant type: single nucleotide variant.
Coding change: c.7396G>A on transcript NM_001035.3 (MANE Select); coding-DNA position 7396, G replaced by A.
Protein change: p.Ala2466Thr; replaces alanine 2466 with threonine.
Molecular consequence: missense variant.
Genome position (GRCh38, 1-based): chr1:237,648,497, G>A. VCF-style: chr1-237648497-G-A. GRCh37 (hg19) VCF-style: chr1-237811797-G-A.
Other names: short protein forms A2466T.
Identifiers: ClinVar variation 3949051 (VCV003949051.1).
Genomic context (GRCh38, chr1:237,648,497, plus strand): 5'-CTTTTAGATGGGAATGTGGTGGAACCTGACATGTCTGCGGGGTTTTGCCCAGATCACAAG[G>A]CAGCCATGGTTTTATTCCTTGACAGGGTCTATGGGATTGAGGTTCAAGACTTCCTCCTCC-3'
Protein context (NP_001026.2, residues 2456-2476): MSAGFCPDHK[Ala2466Thr]AMVLFLDRVY

ClinVar aggregate classification (germline): Uncertain significance (1 of 4 stars; one submission).

Conditions:
Cardiovascular phenotype. Identifiers: MedGen CN230736.

gnomAD v4.1: 2 of 1,611,082 alleles (0.00012%); highest among the groups gnomAD compares: Non-Finnish European, 0.00017%; no homozygotes.

Submission:

Ambry Genetics
Classification: Uncertain significance for Cardiovascular phenotype. Last evaluated: 2025-03-25. Review status: criteria provided, single submitter. Criteria: Ambry Variant Classification Scheme 2023. Collection method: clinical testing. Allele origin: germline.
Comment: The p.A2466T variant (also known as c.7396G>A), located in coding exon 49 of the RYR2 gene, results from a G to A substitution at nucleotide position 7396. The alanine at codon 2466 is replaced by threonine, an amino acid with similar properties. This amino acid position is highly conserved in available vertebrate species. In addition, the in silico prediction for this alteration is inconclusive. Based on the available evidence, the clinical significance of this variant remains unclear.